The following is an entry in ClinVar:

NM_001291303.3(FAT4):c.2126C>T (p.Thr709Ile)

Gene: FAT4 (FAT atypical cadherin 4; plus strand). Cytogenetic location: 4q28.1.
Variant type: single nucleotide variant.
Coding change: c.2126C>T on transcript NM_001291303.3 (MANE Select); coding-DNA position 2126, C replaced by T.
Protein change: p.Thr709Ile; replaces threonine 709 with isoleucine.
Molecular consequence: missense variant.
Genome position (GRCh38, 1-based): chr4:125,318,537, C>T. VCF-style: chr4-125318537-C-T. GRCh37 (hg19) VCF-style: chr4-126239692-C-T.
Other names: c.2126C>T, p.Thr709Ile (NM_001291285.3, NM_024582.6); c.2126C>T (NM_024582.4); short protein forms T709I.
Identifiers: ClinVar variation 2421583 (VCV002421583.8), dbSNP rs781771280, ClinGen allele CA3072118.

ClinVar aggregate classification (germline): Uncertain significance. Review status: criteria provided, multiple submitters, no conflicts (2 of 4 stars). 2 submissions from 2 submitters: Uncertain significance (2). Last evaluated 2023-06-22.

Conditions:
Inborn genetic diseases. Identifiers: MedGen C0950123, MeSH D030342.

Allele frequency attached by ClinVar (database versions not stated): TOPMed below 0.00001; ExAC 0.00001; gnomAD 0.00001; gnomAD exomes 0.00003.
gnomAD v4.1: 46 of 1,614,076 alleles (0.0028%); highest among the groups gnomAD compares: Non-Finnish European, 0.0037%; no homozygotes.

Submissions (2):

Ambry Genetics
Classification: Uncertain significance for Inborn genetic diseases. Last evaluated: 2023-06-22. Review status: criteria provided, single submitter. Criteria: Ambry Variant Classification Scheme 2023. Collection method: clinical testing. Allele origin: germline.

Labcorp Genetics (formerly Invitae), Labcorp
Classification: Uncertain significance. Last evaluated: 2022-05-07. Review status: criteria provided, single submitter. Criteria: Invitae Variant Classification Sherloc (09022015). Collection method: clinical testing. Allele origin: germline.
Comment: This sequence change replaces threonine, which is neutral and polar, with isoleucine, which is neutral and non-polar, at codon 709 of the FAT4 protein (p.Thr709Ile). This variant is present in population databases (rs781771280, gnomAD 0.003%). This variant has not been reported in the literature in individuals affected with FAT4-related conditions. Advanced modeling of protein sequence and biophysical properties (such as structural, functional, and spatial information, amino acid conservation, physicochemical variation, residue mobility, and thermodynamic stability) performed at Invitae indicates that this missense variant is not expected to disrupt FAT4 protein function. In summary, the available evidence is currently insufficient to determine the role of this variant in disease. Therefore, it has been classified as a Variant of Uncertain Significance.